The following is an entry in ClinVar:

ClinVar aggregate classification (germline): Pathogenic (1 of 4 stars; one submission).

Conditions:
Familial adenomatous polyposis 1 (FAP1). Also called: FAMILIAL ADENOMATOUS POLYPOSIS 1, ATTENUATED; POLYPOSIS, ADENOMATOUS INTESTINAL. Identifiers: MedGen C2713442, MONDO:0021056, OMIM 175100. Disease mechanism: loss of function.

Submission:

Myriad Genetics, Inc.
Classification: Pathogenic for Familial adenomatous polyposis 1. Last evaluated: 2023-04-24. Review status: criteria provided, single submitter. Criteria: Myriad Autosomal Dominant, Autosomal Recessive and X-Linked Classification Criteria (2023). Collection method: clinical testing. Allele origin: unknown.
Comment: This variant is considered pathogenic. This variant creates a frameshift predicted to result in premature protein truncation.

NM_000038.6(APC):c.151del (p.Leu51fs)

Gene: APC (APC regulator of Wnt signaling pathway; plus strand). Cytogenetic location: 5q22.2.
Variant type: Deletion.
Coding change: c.151del on transcript NM_000038.6 (MANE Select); coding-DNA position 151, one base deleted (C; older notation c.151delC).
Protein change: p.Leu51fs; shifts the reading frame from leucine 51.
Molecular consequence: frameshift variant. On other transcripts: 5 prime UTR variant (8), non-coding transcript variant (2).
Genome position (GRCh38, 1-based): chr5:112,766,341, C deleted. VCF-style (leftmost placement, unchanged base first): chr5-112766340-AC-A. GRCh37 (hg19) VCF-style: chr5-112102037-AC-A.
Other names: c.181del, p.Leu61fs (NM_001407446.1, NM_001127511.3, NM_001354897.2 and 1 more transcripts); c.151del, p.Leu51fs (NM_001407447.1, NM_001407448.1, NM_001407449.1 and 16 more transcripts); c.76del, p.Leu26fs (NM_001407451.1, NM_001354898.2, NM_001354904.2); c.-27del (NM_001407453.1, NM_001354900.2, NM_001354901.2 and 1 more transcripts); c.-885del (NM_001407470.1, NM_001407471.1, NM_001407472.1 and 1 more transcripts); short protein forms L26fs, L51fs, L61fs.
Identifiers: ClinVar variation 2584051 (VCV002584051.1), dbSNP rs2532271005, ClinGen allele CA2582341282.